The following is an entry in ClinVar:

NM_213595.4(ISCU):c.419-9T>C

Gene: ISCU (iron-sulfur cluster assembly enzyme; plus strand). Cytogenetic location: 12q23.3.
Variant type: single nucleotide variant.
Coding change: c.419-9T>C on transcript NM_213595.4 (MANE Select); 9 bases into the intron before coding-DNA position 419, T replaced by C.
Molecular consequence: intron variant. On other transcripts: 3 prime UTR variant (1).
Genome position (GRCh38, 1-based): chr12:108,568,822, T>C. VCF-style: chr12-108568822-T-C. GRCh37 (hg19) VCF-style: chr12-108962598-T-C.
Other names: c.419-9T>C (NM_213595.3); c.*1118T>C (NM_001320042.1); c.344-9T>C (NM_014301.4); c.*40-9T>C (NM_001301140.1); c.*45-9T>C (NM_001301141.1).
Identifiers: ClinVar variation 2983236 (VCV002983236.5), dbSNP rs1334709607, ClinGen allele CA683349941.

ClinVar aggregate classification (germline): Likely benign. Review status: criteria provided, single submitter (1 of 4 stars). 2 submissions from 2 submitters: Likely benign (1). 1 of the submissions does not count toward it. Last evaluated 2023-12-30.

Conditions:
ISCU-related disorder. Also called: ISCU-related condition.

Allele frequency attached by ClinVar (database versions not stated): gnomAD exomes below 0.00001; gnomAD 0.00001; TOPMed 0.00001.
gnomAD v4.1: 4 of 1,611,494 alleles (0.00025%); highest among the groups gnomAD compares: Admixed American, 0.0017%; no homozygotes.

Submissions (2):

Labcorp Genetics (formerly Invitae), Labcorp
Classification: Likely benign. Last evaluated: 2023-12-30. Review status: criteria provided, single submitter. Criteria: Invitae Variant Classification Sherloc (09022015). Collection method: clinical testing. Allele origin: germline.

PreventionGenetics, part of Exact Sciences
Classification: Likely benign for ISCU-related condition. Last evaluated: 2023-01-06. Review status: no assertion criteria provided. Collection method: clinical testing. Allele origin: germline. Not counted in ClinVar's aggregate classification.
Comment: This variant is classified as likely benign based on ACMG/AMP sequence variant interpretation guidelines (Richards et al. 2015 PMID: 25741868, with internal and published modifications).